The following is an entry in ClinVar:

ClinVar aggregate classification (germline): Pathogenic. Review status: criteria provided, multiple submitters, no conflicts (2 of 4 stars). 3 submissions from 3 submitters: Pathogenic (3). Last evaluated 2026-07-13.

Conditions:
ODAD2-related disorder. Also called: ODAD2-related condition.
Primary ciliary dyskinesia 23 (CILD23). Also called: CILIARY DYSKINESIA, PRIMARY, 23, WITH OR WITHOUT SITUS INVERSUS. Identifiers: Orphanet 244, MedGen C3809548, MONDO:0014193, OMIM 615451.

Allele frequency attached by ClinVar (database versions not stated): gnomAD 0.00001; gnomAD exomes 0.00001 and 0.00005; TOPMed 0.00001.

Submissions (3):

PreventionGenetics, part of Exact Sciences
Classification: Pathogenic for ODAD2-related condition. Last evaluated: 2026-07-13. Review status: criteria provided, single submitter. Criteria: ACMG Guidelines, 2015. Collection method: clinical testing. Allele origin: germline.
Comment: The ODAD2 c.1969C>T variant is predicted to result in premature protein termination (p.Gln657*). This variant was reported in the homozygous and compound heterozygous states in individuals with primary ciliary dyskinesia (Table S2, Hjeij et al. 2013. PubMed ID: 23849778; Table S3, Fassad et al. 2019. PubMed ID: 31879361). This variant is reported in 0.0018% of alleles in individuals of European (Non-Finnish) descent in gnomAD. Nonsense variants in ODAD2 are expected to be pathogenic. This variant is interpreted as pathogenic.

Labcorp Genetics (formerly Invitae), Labcorp
Classification: Pathogenic for Primary ciliary dyskinesia 23. Last evaluated: 2024-11-13. Review status: criteria provided, single submitter. Criteria: Invitae Variant Classification Sherloc (09022015). Collection method: clinical testing. Allele origin: germline.
Comment: This sequence change creates a premature translational stop signal (p.Gln657*) in the ARMC4 gene. It is expected to result in an absent or disrupted protein product. Loss-of-function variants in ARMC4 are known to be pathogenic (PMID: 23849778). This variant is present in population databases (no rsID available, gnomAD 0.002%). This premature translational stop signal has been observed in individual(s) with primary ciliary dyskinesia (PMID: 23849778). ClinVar contains an entry for this variant (Variation ID: 242858). Algorithms developed to predict the effect of sequence changes on RNA splicing suggest that this variant may disrupt the consensus splice site. For these reasons, this variant has been classified as Pathogenic.

Lupski Lab, Baylor-Hopkins CMG, Baylor College of Medicine
Classification: Pathogenic for Primary ciliary dyskinesia 23. Last evaluated: 2013-04-03. Review status: criteria provided, single submitter. Criteria: Hjeij et al. (Am J Hum Genet. 2013). Collection method: research. Allele origin: germline. Inheritance: Autosomal recessive inheritance. Affected: yes. Observed: 3 variant alleles, 1 heterozygote, 1 compound heterozygote, 1 homozygote.
Comment: This compound heterzygous mutation was predicted to be loss-of-function.

Literature cited by the submitters: PubMed 23849778 (cited by Labcorp Genetics (formerly Invitae), Labcorp).

NM_018076.5(ODAD2):c.1969C>T (p.Gln657Ter)

Gene: ODAD2 (outer dynein arm docking complex subunit 2; minus strand). Cytogenetic location: 10p12.1.
Variant type: single nucleotide variant.
Coding change: c.1969C>T on transcript NM_018076.5 (MANE Select); coding-DNA position 1969, C replaced by T.
Protein change: p.Gln657Ter; replaces glutamine 657 with a stop codon.
Molecular consequence: nonsense.
Genome position (GRCh38, 1-based): chr10:27,940,580, G>A on the plus strand (C>T on the coding strand, the complement: ODAD2 is on the minus strand). VCF-style: chr10-27940580-G-A. GRCh37 (hg19) VCF-style: chr10-28229509-G-A.
Other names: c.1969C>T, p.Gln657Ter (NM_001290020.2); c.544C>T, p.Gln182Ter (NM_001290021.2); c.1045C>T, p.Gln349Ter (NM_001312689.2); c.1969C>T (NM_018076.4); short protein forms Q657*, Q182*, Q349*.
Identifiers: ClinVar variation 242858 (VCV000242858.9), dbSNP rs868755574, ClinGen allele CA10584011.